The following is an entry in ClinVar:

ClinVar aggregate classification (germline): Uncertain significance (1 of 4 stars; one submission).

Conditions:
Congenital contractural arachnodactyly (CCA). Also called: Beals-Hecht syndrome; BEALS SYNDROME; Arthrogryposis, distal, type 9. Identifiers: Orphanet 115, MedGen C0220668, MONDO:0007363, OMIM 121050.

Submission:

Labcorp Genetics (formerly Invitae), Labcorp
Classification: Uncertain significance for Congenital contractural arachnodactyly. Last evaluated: 2025-02-25. Review status: criteria provided, single submitter. Criteria: Invitae Variant Classification Sherloc (09022015). Collection method: clinical testing. Allele origin: germline.
Comment: This sequence change replaces valine, which is neutral and non-polar, with leucine, which is neutral and non-polar, at codon 842 of the FBN2 protein (p.Val842Leu). This variant is not present in population databases (gnomAD no frequency). This variant has not been reported in the literature in individuals affected with FBN2-related conditions. Invitae Evidence Modeling of protein sequence and biophysical properties (such as structural, functional, and spatial information, amino acid conservation, physicochemical variation, residue mobility, and thermodynamic stability) indicates that this missense variant is not expected to disrupt FBN2 protein function with a negative predictive value of 80%. In summary, the available evidence is currently insufficient to determine the role of this variant in disease. Therefore, it has been classified as a Variant of Uncertain Significance.

NM_001999.4(FBN2):c.2524G>C (p.Val842Leu)

Gene: FBN2 (fibrillin 2; minus strand). Cytogenetic location: 5q23.3.
Variant type: single nucleotide variant.
Coding change: c.2524G>C on transcript NM_001999.4 (MANE Select); coding-DNA position 2524, G replaced by C.
Protein change: p.Val842Leu; replaces valine 842 with leucine.
Molecular consequence: missense variant.
Genome position (GRCh38, 1-based): chr5:128,361,753, C>G on the plus strand (G>C on the coding strand, the complement: FBN2 is on the minus strand). VCF-style: chr5-128361753-C-G. GRCh37 (hg19) VCF-style: chr5-127697446-C-G.
Other names: short protein forms V842L.
Identifiers: ClinVar variation 4729012 (VCV004729012.1).
Genomic context (GRCh38, chr5:128,361,753, plus strand): 5'-CACAAATAAGGCGATGAAGACAGCTCTTACCTTCACAGGTCTCTGTCTCAGTCCTGAACA[C>G]ATACCCTGGTGGGCACGTACAGCTGTAACTTCCTGGCGTGTTTCGGCACAATCCGTTATC-3'
Protein context (NP_001990.2, residues 832-852): SYSCTCPPGY[Val842Leu]FRTETETCED